The following is an entry in ClinVar:

NM_000203.5(IDUA):c.287T>G (p.Leu96Arg)

Genes: IDUA (alpha-L-iduronidase; plus strand), SLC26A1 (solute carrier family 26 member 1; minus strand). Cytogenetic location: 4p16.3.
Variant type: single nucleotide variant.
Coding change: c.287T>G on transcript NM_000203.5 (MANE Select); coding-DNA position 287, T replaced by G.
Protein change: p.Leu96Arg; replaces leucine 96 with arginine.
Molecular consequence: missense variant. On other transcripts: 3 prime UTR variant (2), non-coding transcript variant (1), intron variant (1).
Genome position (GRCh38, 1-based): chr4:987,937, T>G. VCF-style: chr4-987937-T-G. GRCh37 (hg19) VCF-style: chr4-981725-T-G.
Other names: c.*896A>C (NM_022042.4, NM_213613.4); c.576+3191A>C (NM_134425.4); short protein forms L96R.
Identifiers: ClinVar variation 1016677 (VCV001016677.11), dbSNP rs1713872403, ClinGen allele CA355946637.

ClinVar aggregate classification (germline): Uncertain significance. Review status: criteria provided, multiple submitters, no conflicts (2 of 4 stars). 2 submissions from 2 submitters: Uncertain significance (2). Last evaluated 2023-12-21.

Conditions:
Mucopolysaccharidosis type 1. Also called: Mucopolysaccharidosis Type I; IDUA deficiency; MPS I. Identifiers: Orphanet 579, MedGen C0023786, MONDO:0001586.

Submissions (2):

GeneDx
Classification: Uncertain significance. Last evaluated: 2023-12-21. Review status: criteria provided, single submitter. Criteria: GeneDx Variant Classification Process June 2021. Collection method: clinical testing. Allele origin: germline. Affected: yes.
Comment: Not observed at significant frequency in large population cohorts (gnomAD); In silico analysis supports that this missense variant has a deleterious effect on protein structure/function; Has not been previously published as pathogenic or benign to our knowledge

Labcorp Genetics (formerly Invitae), Labcorp
Classification: Uncertain significance for Mucopolysaccharidosis type 1. Last evaluated: 2022-03-08. Review status: criteria provided, single submitter. Criteria: Invitae Variant Classification Sherloc (09022015). Collection method: clinical testing. Allele origin: germline.
Comment: This variant is not present in population databases (gnomAD no frequency). In summary, the available evidence is currently insufficient to determine the role of this variant in disease. Therefore, it has been classified as a Variant of Uncertain Significance. Advanced modeling of protein sequence and biophysical properties (such as structural, functional, and spatial information, amino acid conservation, physicochemical variation, residue mobility, and thermodynamic stability) performed at Invitae indicates that this missense variant is expected to disrupt IDUA protein function. ClinVar contains an entry for this variant (Variation ID: 1016677). This variant has not been reported in the literature in individuals affected with IDUA-related conditions. This sequence change replaces leucine, which is neutral and non-polar, with arginine, which is basic and polar, at codon 96 of the IDUA protein (p.Leu96Arg).